The following is an entry in ClinVar:

NM_002878.4(RAD51D):c.694_697dup (p.Glu233fs)

Genes: RAD51D (RAD51 paralog D; minus strand), RAD51L3-RFFL (RAD51L3-RFFL readthrough; minus strand). Cytogenetic location: 17q12.
Variant type: Duplication.
Coding change: c.694_697dup on transcript NM_002878.4 (MANE Select); coding-DNA positions 694 to 697, 4 bases duplicated (CGAG; older notation c.694_697dupCGAG).
Protein change: p.Glu233fs; shifts the reading frame from glutamic acid 233.
Molecular consequence: frameshift variant. On other transcripts: non-coding transcript variant (3).
Genome position (GRCh38, 1-based): chr17:35,103,295-35,103,298, CTCG duplicated on the plus strand (CGAG on the coding strand, the reverse complement: RAD51D is on the minus strand). VCF-style (leftmost placement, unchanged base first): chr17-35103294-T-TCTCG. GRCh37 (hg19) VCF-style: chr17-33430313-T-TCTCG.
Other names: c.754_757dup, p.Glu253fs (NM_001142571.2); c.694_697dupCGAG (NM_002878.3); c.358_361dup, p.Glu121fs (NM_133629.3); short protein forms E121fs, E253fs, E233fs.
Identifiers: ClinVar variation 1506962 (VCV001506962.11), dbSNP rs2142418516, ClinGen allele CA2573153488.

ClinVar aggregate classification (germline): Pathogenic/Likely pathogenic. Review status: criteria provided, multiple submitters, no conflicts (2 of 4 stars). 4 submissions from 4 submitters: Pathogenic (1); Likely pathogenic (3). Last evaluated 2025-08-11.

Conditions:
Hereditary cancer-predisposing syndrome. Also called: Hereditary neoplastic syndrome; Neoplastic Syndromes, Hereditary; Tumor predisposition; Hereditary Cancer Syndrome. Identifiers: Orphanet 140162, MedGen C0027672, MeSH D009386, MONDO:0015356.
Breast-ovarian cancer, familial, susceptibility to, 4. Identifiers: Orphanet 145, MedGen C3280345, MONDO:0013669, OMIM 614291.

Submissions (4):

Labcorp Genetics (formerly Invitae), Labcorp
Classification: Pathogenic for Breast-ovarian cancer, familial, susceptibility to, 4. Last evaluated: 2025-08-11. Review status: criteria provided, single submitter. Criteria: Invitae Variant Classification Sherloc (09022015). Collection method: clinical testing. Allele origin: germline.
Comment: This sequence change creates a premature translational stop signal (p.Glu233Alafs*95) in the RAD51D gene. While this is not anticipated to result in nonsense mediated decay, it is expected to disrupt the last 96 amino acid(s) of the RAD51D protein. This variant is not present in population databases (gnomAD no frequency). This variant has not been reported in the literature in individuals affected with RAD51D-related conditions. ClinVar contains an entry for this variant (Variation ID: 1506962). This variant disrupts the ATPase domain and RAD51C interaction domain of the RAD51D protein, which are necessary for the DNA repair activity (PMID: 14704354, 19327148, 21111057, 10749867). While functional studies have not been performed to directly test the effect of this variant on RAD51D protein function, this suggests that disruption of this region of the protein is causative of disease. For these reasons, this variant has been classified as Pathogenic.

Ambry Genetics
Classification: Likely pathogenic for Hereditary cancer-predisposing syndrome. Last evaluated: 2024-11-21. Review status: criteria provided, single submitter. Criteria: Ambry Variant Classification Scheme 2023. Collection method: clinical testing. Allele origin: germline.
Comment: The c.694_697dupCGAG variant, located in coding exon 8 of the RAD51D gene, results from a duplication of CGAG at nucleotide position 694, causing a translational frameshift with a predicted alternate stop codon (p.E233Afs*95). This alteration occurs at the 3' terminus of the RAD51D gene, is not expected to trigger nonsense-mediated mRNA decay, and impacts the last 29% of the protein. However, premature stop codons are typically deleterious in nature and the impacted region is critical for protein function and a significant portion of the protein is affected (Ambry internal data). This variant is considered to be rare based on population cohorts in the Genome Aggregation Database (gnomAD). Based on the majority of available evidence to date, this variant is likely to be pathogenic.

Myriad Genetics, Inc.
Classification: Likely pathogenic for Breast-ovarian cancer, familial, susceptibility to, 4. Last evaluated: 2023-11-30. Review status: criteria provided, single submitter. Criteria: Myriad Autosomal Dominant, Autosomal Recessive and X-Linked Classification Criteria (2023). Collection method: clinical testing. Allele origin: unknown.
Comment: This variant is considered likely pathogenic. This variant creates a frameshift predicted to result in premature protein truncation.

Baylor Genetics
Classification: Likely pathogenic for Breast-ovarian cancer, familial, susceptibility to, 4. Last evaluated: 2022-04-17. Review status: criteria provided, single submitter. Criteria: ACMG Guidelines, 2015. Collection method: clinical testing. Allele origin: unknown.

Literature cited by the submitters: PubMed 14704354 (cited by Labcorp Genetics (formerly Invitae), Labcorp); PubMed 19327148 (cited by Labcorp Genetics (formerly Invitae), Labcorp); PubMed 21111057 (cited by Labcorp Genetics (formerly Invitae), Labcorp); PubMed 10749867 (cited by Labcorp Genetics (formerly Invitae), Labcorp).